The following is an entry in ClinVar:

ClinVar aggregate classification (germline): Likely benign (1 of 4 stars; one submission).

gnomAD v4.1: 836 of 907,960 alleles (0.092%); highest among the groups gnomAD compares: African/African-American, 1.1%; 3 homozygotes.

Submission:

GeneDx
Classification: Likely benign. Last evaluated: 2019-04-16. Review status: criteria provided, single submitter. Criteria: GeneDx Variant Classification Process June 2021. Collection method: clinical testing. Allele origin: germline. Affected: yes.
Comment: See Variant Classification Assertion Criteria.

NM_024514.5(CYP2R1):c.368-122A>G

Genes: CYP2R1 (cytochrome P450 family 2 subfamily R member 1; minus strand), PDE3B (phosphodiesterase 3B; plus strand). Cytogenetic location: 11p15.2.
Variant type: single nucleotide variant.
Coding change: c.368-122A>G on transcript NM_024514.5 (MANE Select); 122 bases into the intron before coding-DNA position 368, A replaced by G.
Molecular consequence: intron variant.
Genome position (GRCh38, 1-based): chr11:14,880,890, T>C on the plus strand (A>G on the coding strand, the complement: CYP2R1 is on the minus strand). VCF-style: chr11-14880890-T-C. GRCh37 (hg19) VCF-style: chr11-14902436-T-C.
Other names: c.2887-18055T>C (NM_001429700.1); c.2887-18066T>C (NM_001429699.1); c.23-122A>G (NM_001400558.1, NM_001377227.1, NM_001400559.1 and 5 more transcripts); c.323-122A>G (NM_001400568.1); c.23-1447A>G (NM_001400566.1); c.78-531A>G (NM_001400562.1, NM_001400564.1, NM_001400565.1 and 1 more transcripts); c.224-122A>G (NM_001400567.1); c.206-122A>G (NM_001377217.1).
Identifiers: ClinVar variation 4813930 (VCV004813930.1).